The following is an entry in ClinVar:

ClinVar aggregate classification (germline): Pathogenic/Likely pathogenic. Review status: criteria provided, multiple submitters, no conflicts (2 of 4 stars). 2 submissions from 2 submitters: Pathogenic (1); Likely pathogenic (1). Last evaluated 2026-01-20.

Conditions:
Nephronophthisis. Also called: Juvenile Nephronophthisis. Identifiers: Orphanet 655, MedGen C0687120, MONDO:0019005, HP:0000090.
Joubert syndrome. Also called: Familial aplasia of the vermis; JOUBERT-BOLTSHAUSER SYNDROME. Identifiers: Orphanet 475, MedGen C5979921, MONDO:0018772.
Meckel-Gruber syndrome. Also called: Dysencephalia splachnocystica; DYSENCEPHALIA SPLANCHNOCYSTICA; GRUBER SYNDROME. Identifiers: Orphanet 564, MedGen C0265215, MONDO:0018921.
CEP290-related ciliopathy. Also called: CEP290 ciliopathy. Identifiers: MedGen CN305601, MONDO:0100451.

Submissions (2):

Myriad Genetics, Inc.
Classification: Likely pathogenic for CEP290-related ciliopathy. Last evaluated: 2026-01-20. Review status: criteria provided, single submitter. Criteria: Myriad Autosomal Dominant, Autosomal Recessive and X-Linked Classification Criteria (2023). Collection method: clinical testing. Allele origin: unknown.
Comment: NM_025114.3(CEP290):c.3573+1G>T is a variant in a canonical splice site classified as likely pathogenic in the context of CEP290-related disorders. c.3573+1G>T has been observed in a case with relevant disease (PMID: 26673778). Relevant functional assessments of this variant are not available in the literature. c.3573+1G>T has not been observed in referenced population frequency databases. In summary, NM_025114.3(CEP290):c.3573+1G>T is a variant in a canonical splice site in a gene where loss of function is a known mechanism of disease, is predicted to disrupt protein function, and has been observed more frequently in cases with the relevant disease than in healthy populations. Please note: this variant was assessed in the context of healthy population screening.

Labcorp Genetics (formerly Invitae), Labcorp
Classification: Pathogenic for Joubert syndrome; Meckel-Gruber syndrome; Nephronophthisis. Last evaluated: 2021-10-06. Review status: criteria provided, single submitter. Criteria: Invitae Variant Classification Sherloc (09022015). Collection method: clinical testing. Allele origin: germline.
Comment: For these reasons, this variant has been classified as Pathogenic. Algorithms developed to predict the effect of sequence changes on RNA splicing suggest that this variant may disrupt the consensus splice site. Disruption of this splice site has been observed in individuals with retinal dystrophy and/or Senior-Loken syndrome (PMID: 26673778; Invitae). This variant is not present in population databases (ExAC no frequency). This sequence change affects a donor splice site in intron 30 of the CEP290 gene. It is expected to disrupt RNA splicing. Variants that disrupt the donor or acceptor splice site typically lead to a loss of protein function (PMID: 16199547), and loss-of-function variants in CEP290 are known to be pathogenic (PMID: 16909394, 17345604, 20690115).

Literature cited by the submitters: PubMed 26673778 (cited by Myriad Genetics, Inc. and Labcorp Genetics (formerly Invitae), Labcorp); PubMed 16199547 (cited by Labcorp Genetics (formerly Invitae), Labcorp); PubMed 16909394 (cited by Labcorp Genetics (formerly Invitae), Labcorp); PubMed 17345604 (cited by Labcorp Genetics (formerly Invitae), Labcorp); PubMed 20690115 (cited by Labcorp Genetics (formerly Invitae), Labcorp).

NM_025114.4(CEP290):c.3573+1G>T

Gene: CEP290 (centrosomal protein 290; minus strand). Cytogenetic location: 12q21.32.
Variant type: single nucleotide variant.
Coding change: c.3573+1G>T on transcript NM_025114.4 (MANE Select); the canonical splice donor site of the intron after coding-DNA position 3573, G replaced by T.
Molecular consequence: splice donor variant.
Genome position (GRCh38, 1-based): chr12:88,090,727, C>A on the plus strand (G>T on the coding strand, the complement: CEP290 is on the minus strand). VCF-style: chr12-88090727-C-A. GRCh37 (hg19) VCF-style: chr12-88484504-C-A.
Identifiers: ClinVar variation 1459405 (VCV001459405.7), dbSNP rs1339320666, ClinGen allele CA386001540.